The following is an entry in ClinVar:

NM_024656.4(COLGALT1):c.1277G>A (p.Arg426Gln)

Gene: COLGALT1 (collagen beta(1-O)galactosyltransferase 1; plus strand). Cytogenetic location: 19p13.11.
Variant type: single nucleotide variant.
Coding change: c.1277G>A on transcript NM_024656.4 (MANE Select); coding-DNA position 1277, G replaced by A.
Protein change: p.Arg426Gln; replaces arginine 426 with glutamine.
Molecular consequence: missense variant.
Genome position (GRCh38, 1-based): chr19:17,579,492, G>A. VCF-style: chr19-17579492-G-A. GRCh37 (hg19) VCF-style: chr19-17690301-G-A.
Other names: short protein forms R426Q.
Identifiers: ClinVar variation 4801817 (VCV004801817.1).

ClinVar aggregate classification (germline): Uncertain significance (1 of 4 stars; one submission).

Submission:

Labcorp Genetics (formerly Invitae), Labcorp
Classification: Uncertain significance. Last evaluated: 2025-08-13. Review status: criteria provided, single submitter. Criteria: Invitae Variant Classification Sherloc (09022015). Collection method: clinical testing. Allele origin: germline.
Comment: This sequence change replaces arginine, which is basic and polar, with glutamine, which is neutral and polar, at codon 426 of the COLGALT1 protein (p.Arg426Gln). This variant is present in population databases (rs541154290, gnomAD 0.1%). This variant has not been reported in the literature in individuals affected with COLGALT1-related conditions. Invitae Evidence Modeling of protein sequence and biophysical properties (such as structural, functional, and spatial information, amino acid conservation, physicochemical variation, residue mobility, and thermodynamic stability) indicates that this missense variant is not expected to disrupt COLGALT1 protein function with a negative predictive value of 80%. In summary, the available evidence is currently insufficient to determine the role of this variant in disease. Therefore, it has been classified as a Variant of Uncertain Significance.